The following is an entry in ClinVar:

ClinVar aggregate classification (germline): Uncertain significance. Review status: criteria provided, multiple submitters, no conflicts (2 of 4 stars). 2 submissions from 2 submitters: Uncertain significance (2). Last evaluated 2025-08-18.

Conditions:
Epidermolysis bullosa simplex 5B, with muscular dystrophy (EBS5B). Also called: Epidermolysis bullosa simplex with muscular dystrophy; EPIDERMOLYSIS BULLOSA SIMPLEX AND LIMB-GIRDLE MUSCULAR DYSTROPHY. Identifiers: Orphanet 257, MedGen C2931072, MONDO:0009181, OMIM 226670.
Epidermolysis bullosa simplex, Ogna type (EBS5A). Also called: Pidermolysis bullosa simplex 5A, Ogna type; EPIDERMOLYSIS BULLOSA SIMPLEX 5A, OGNA TYPE. Identifiers: Orphanet 79401, MedGen C0432317, MONDO:0007555, OMIM 131950.
Epidermolysis bullosa simplex with nail dystrophy (EBS5D). Identifiers: MedGen C4225309, MONDO:0014661, OMIM 616487.
Autosomal recessive limb-girdle muscular dystrophy type 2Q (LGMDR17). Also called: MUSCULAR DYSTROPHY, LIMB-GIRDLE, AUTOSOMAL RECESSIVE 17. Identifiers: Orphanet 254361, MedGen C3150989, MONDO:0013390, OMIM 613723.
Epidermolysis bullosa simplex 5C, with pyloric atresia (EBS5C). Also called: PLEC-Related Epidermolysis Bullosa with Pyloric Atresia; Epidermolysis bullosa simplex with pyloric atresia; PLEC1-Related Epidermolysis Bullosa with Pyloric Atresia. Identifiers: Orphanet 158684, MedGen C2677349, MONDO:0012807, OMIM 612138.

Allele frequency attached by ClinVar (database versions not stated): TOPMed 0.00002.
gnomAD v4.1: 1 of 1,598,110 alleles (0.000063%); no homozygotes.

Submissions (2):

Labcorp Genetics (formerly Invitae), Labcorp
Classification: Uncertain significance for Autosomal recessive limb-girdle muscular dystrophy type 2Q; Epidermolysis bullosa simplex, Ogna type; Epidermolysis bullosa simplex with nail dystrophy; Epidermolysis bullosa simplex 5C, with pyloric atresia; Epidermolysis bullosa simplex 5B, with muscular dystrophy. Last evaluated: 2025-08-18. Review status: criteria provided, single submitter. Criteria: Invitae Variant Classification Sherloc (09022015). Collection method: clinical testing. Allele origin: germline.
Comment: This sequence change replaces leucine, which is neutral and non-polar, with glutamine, which is neutral and polar, at codon 1971 of the PLEC protein (p.Leu1971Gln). This variant is not present in population databases (gnomAD no frequency). This variant has not been reported in the literature in individuals affected with PLEC-related conditions. ClinVar contains an entry for this variant (Variation ID: 596020). Experimental studies and prediction algorithms are not available or were not evaluated, and the functional significance of this variant is currently unknown. In summary, the available evidence is currently insufficient to determine the role of this variant in disease. Therefore, it has been classified as a Variant of Uncertain Significance.

Eurofins Ntd Llc (ga)
Classification: Uncertain significance. Last evaluated: 2018-02-13. Review status: criteria provided, single submitter. Criteria: EGL ClinVar v180209 classification definitions. Collection method: clinical testing. Allele origin: germline. Observed: 1 variant allele, 1 heterozygote.

NM_201384.3(PLEC):c.5831T>A (p.Leu1944Gln)

Gene: PLEC (plectin; minus strand). Cytogenetic location: 8q24.3.
Variant type: single nucleotide variant.
Coding change: c.5831T>A on transcript NM_201384.3 (MANE Select); coding-DNA position 5831, T replaced by A.
Protein change: p.Leu1944Gln; replaces leucine 1944 with glutamine.
Molecular consequence: missense variant.
Genome position (GRCh38, 1-based): chr8:143,924,098, A>T on the plus strand (T>A on the coding strand, the complement: PLEC is on the minus strand). VCF-style: chr8-143924098-A-T. GRCh37 (hg19) VCF-style: chr8-144998266-A-T.
Other names: c.5912T>A, p.Leu1971Gln (NM_000445.5); c.5789T>A, p.Leu1930Gln (NM_201378.4); c.5765T>A, p.Leu1922Gln (NM_201379.3); c.6242T>A, p.Leu2081Gln (NM_201380.4); c.5735T>A, p.Leu1912Gln (NM_201381.3); c.5831T>A, p.Leu1944Gln (NM_201382.4); c.5843T>A, p.Leu1948Gln (NM_201383.3); short protein forms L1922Q, L1971Q, L1912Q, L1944Q, L2081Q, L1948Q, L1930Q.
Identifiers: ClinVar variation 596020 (VCV000596020.9), dbSNP rs1564032909, ClinGen allele CA372541456.